The following continues an entry in ClinVar:

NM_000540.3(RYR1):c.1453A>G (p.Met485Val)

ClinVar aggregate classification (germline): Uncertain significance. Uncertain significance (1).

Submissions 10 to 23 of 23:

CeGaT Center for Human Genetics Tuebingen
Classification: Uncertain significance. Last evaluated: 2023-10-01. Review status: criteria provided, single submitter. Criteria: CeGaT Center For Human Genetics Tuebingen Variant Classification Criteria Version 2. Collection method: clinical testing. Allele origin: germline. Affected: yes. Observed: 4 variant alleles. Not counted in ClinVar's aggregate classification.
Comment: RYR1: PM2

Mendelics
Classification: Uncertain significance for Malignant hyperthermia, susceptibility to, 1. Last evaluated: 2023-06-02. Review status: criteria provided, single submitter. Criteria: Mendelics Assertion Criteria 2017. Collection method: clinical testing. Allele origin: unknown. Not counted in ClinVar's aggregate classification.

Fulgent Genetics
Classification: Uncertain significance for Central core myopathy; Malignant hyperthermia, susceptibility to, 1; Congenital myopathy 4A, autosomal dominant; Congenital multicore myopathy with external ophthalmoplegia; King Denborough syndrome. Last evaluated: 2021-11-22. Review status: criteria provided, single submitter. Criteria: ACMG Guidelines, 2015. Collection method: clinical testing. Allele origin: unknown. Not counted in ClinVar's aggregate classification.

AiLife Diagnostics
Classification: Uncertain significance. Last evaluated: 2021-05-26. Review status: criteria provided, single submitter. Criteria: ACMG Guidelines, 2015. Collection method: clinical testing. Allele origin: germline. Affected: yes. Observed: 1 variant allele. Not counted in ClinVar's aggregate classification.

Centre for Mendelian Genomics, University Medical Centre Ljubljana
Classification: Uncertain significance for Congenital myopathy 4A, autosomal dominant. Last evaluated: 2019-11-19. Review status: criteria provided, single submitter. Criteria: ACMG Guidelines, 2015. Collection method: clinical testing. Allele origin: unknown. Affected: yes. Not counted in ClinVar's aggregate classification.
Comment: This variant was classified as: Uncertain significance. The available evidence on this variant's pathogenicity is insufficient or conflicting. The following ACMG criteria were applied in classifying this variant: BP1,BP6.

Illumina Laboratory Services, Illumina
Classification: Likely benign for Malignant hyperthermia, susceptibility to, 1. Last evaluated: 2019-04-22. Review status: criteria provided, single submitter. Criteria: ICSL Variant Classification Criteria 13 December 2019. Collection method: clinical testing. Allele origin: germline. Not counted in ClinVar's aggregate classification.
Comment: This variant was observed as part of a predisposition screen in an ostensibly healthy population. A literature search was performed for the gene, cDNA change, and amino acid change (where applicable). No publications were found based on this search. Allele frequency data from public databases allowed determination this variant is unlikely to cause disease. Therefore, this variant is classified as likely benign.

Illumina Laboratory Services, Illumina
Classification: Likely benign for Congenital multicore myopathy with external ophthalmoplegia. Last evaluated: 2019-04-22. Review status: criteria provided, single submitter. Criteria: ICSL Variant Classification Criteria 13 December 2019. Collection method: clinical testing. Allele origin: germline. Not counted in ClinVar's aggregate classification.
Comment: This variant was observed as part of a predisposition screen in an ostensibly healthy population. A literature search was performed for the gene, cDNA change, and amino acid change (where applicable). Publications were found based on this search. The evidence from the literature, in combination with allele frequency data from public databases where available, was sufficient to determine this variant is unlikely to cause disease. Therefore, this variant is classified as likely benign.

GeneDx
Classification: Likely benign. Last evaluated: 2018-03-07. Review status: criteria provided, single submitter. Criteria: GeneDx Variant Classification (06012015). Collection method: clinical testing. Allele origin: germline. Affected: yes. Not counted in ClinVar's aggregate classification.
Comment: This variant is considered likely benign or benign based on one or more of the following criteria: it is a conservative change, it occurs at a poorly conserved position in the protein, it is predicted to be benign by multiple in silico algorithms, and/or has population frequency not consistent with disease.

Eurofins Ntd Llc (ga)
Classification: Uncertain significance. Last evaluated: 2015-11-18. Review status: criteria provided, single submitter. Criteria: EGL Classification Definitions 2015. Collection method: clinical testing. Allele origin: germline. Observed: 1 variant allele, 1 heterozygote. Not counted in ClinVar's aggregate classification.

CSER _CC_NCGL, University of Washington
Classification: Uncertain significance for Malignant hyperthermia. Last evaluated: 2014-06-01. Review status: criteria provided, single submitter. Criteria: Amendola et al. (Genome Res. 2015). Collection method: research. Allele origin: germline. Inheritance: Autosomal dominant inheritance. Study: ESP 6500 variant annotation. Not counted in ClinVar's aggregate classification.
Comment: Low GERP score may suggest that this variant may belong in a lower pathogenicity class

Variants classified for the Actionable exomic incidental findings in 6503 participants: challenges of variant classification manuscript

Genetic Services Laboratory, University of Chicago
Classification: Uncertain significance. Last evaluated: 2013-11-05. Review status: criteria provided, single submitter. Criteria: ACMG Guidelines, 2007. Collection method: clinical testing. Allele origin: germline. Inheritance: Autosomal unknown. Not counted in ClinVar's aggregate classification.

Biesecker Lab/Clinical Genomics Section, National Institutes of Health
Classification: Uncertain significance for Malignant hyperthermia, susceptibility to, 1. Last evaluated: 2013-07-01. Review status: criteria provided, single submitter. Criteria: Gonsalves et al. 2013. Collection method: research. Allele origin: unknown. Observed: 2 variant alleles. Study: ClinSeq. Not counted in ClinVar's aggregate classification.
Comment: The study set was not selected for affection status in relation to any myopathy. Pathogenicity categories were based on literature curation. See Pubmed ID: 24195946 for details.

GeneReviews
Classification: Benign for Central Core Disease. Last evaluated: 2010-05-11. Review status: no assertion criteria provided. Collection method: curation. Allele origin: unknown. Not counted in ClinVar's aggregate classification.
ClinVar note: Converted during submission from non-pathogenic to Benign.

RYR1 database
No classification provided. Review status: no classification provided. Collection method: not provided. Allele origin: unknown. Not counted in ClinVar's aggregate classification.

Literature cited by the submitters: PubMed 23919265 (cited by Women's Health and Genetics/Laboratory Corporation of America, LabCorp); PubMed 32528171 (cited by Women's Health and Genetics/Laboratory Corporation of America, LabCorp and AiLife Diagnostics); PubMed 32236737 (cited by Women's Health and Genetics/Laboratory Corporation of America, LabCorp); PubMed 23553787 (cited by 3 submitters); PubMed 29298851 (cited by Women's Health and Genetics/Laboratory Corporation of America, LabCorp and AiLife Diagnostics); PubMed 16940308 (cited by All of Us Research Program, National Institutes of Health and Illumina Laboratory Services, Illumina); PubMed 18171678 (cited by All of Us Research Program, National Institutes of Health); PubMed 25637381 (cited by AiLife Diagnostics); PubMed 24195946 (cited by AiLife Diagnostics); PubMed 26332594 (cited by AiLife Diagnostics).